The following is an entry in ClinVar:

NM_001375808.2(LPIN2):c.154T>G (p.Phe52Val)

Gene: LPIN2 (lipin 2; minus strand). Cytogenetic location: 18p11.31.
Variant type: single nucleotide variant.
Coding change: c.154T>G on transcript NM_001375808.2 (MANE Select); coding-DNA position 154, T replaced by G.
Protein change: p.Phe52Val; replaces phenylalanine 52 with valine.
Molecular consequence: missense variant.
Genome position (GRCh38, 1-based): chr18:2,960,687, A>C on the plus strand (T>G on the coding strand, the complement: LPIN2 is on the minus strand). VCF-style: chr18-2960687-A-C. GRCh37 (hg19) VCF-style: chr18-2960685-A-C.
Other names: c.154T>G, p.Phe52Val (NM_001375809.1, NM_014646.2); short protein forms F52V.
Identifiers: ClinVar variation 1938922 (VCV001938922.3), dbSNP rs149316726, ClinGen allele CA8873638.
Genomic context (GRCh38, chr18:2,960,687, plus strand): 5'-TCCTCTCCTTGAGGACACTCACCACTTTCTCTTTGGATCTCAGGACTCCCAGCTTTCCAA[A>C]CCGAACGTGAAAAGGTGAACACTGATAGCTGCCATCCTGCTGCTGTACCACGATGACATC-3'
Protein context (NP_001362737.1, residues 42-62): SYQCSPFHVR[Phe52Val]GKLGVLRSKE

ClinVar aggregate classification (germline): Uncertain significance. Review status: criteria provided, multiple submitters, no conflicts (2 of 4 stars). 2 submissions from 2 submitters: Uncertain significance (2). Last evaluated 2023-10-16.

Conditions:
Majeed syndrome (MJDS). Also called: CHRONIC RECURRENT MULTIFOCAL OSTEOMYELITIS 1, WITH CONGENITAL DYSERYTHROPOIETIC ANEMIA, WITH OR WITHOUT NEUTROPHILIC DERMATOSIS; LPIN2-Related Majeed Syndrome. Identifiers: Orphanet 77297, MedGen C1864997, MONDO:0012316, OMIM 609628.

Allele frequency attached by ClinVar (database versions not stated): gnomAD exomes below 0.00001; ExAC 0.00001; gnomAD 0.00001; TOPMed 0.00006; ESP Exome Variant Server 0.00015.
gnomAD v4.1: 9 of 1,613,880 alleles (0.00056%); highest among the groups gnomAD compares: Non-Finnish European, 0.00076%; no homozygotes.

Submissions (2):

Revvity Omics, Revvity
Classification: Uncertain significance for Majeed syndrome. Last evaluated: 2023-10-16. Review status: criteria provided, single submitter. Criteria: ACMG Guidelines, 2015. Collection method: clinical testing. Allele origin: germline.

Labcorp Genetics (formerly Invitae), Labcorp
Classification: Uncertain significance for Majeed syndrome. Last evaluated: 2022-03-20. Review status: criteria provided, single submitter. Criteria: Invitae Variant Classification Sherloc (09022015). Collection method: clinical testing. Allele origin: germline.
Comment: This sequence change replaces phenylalanine, which is neutral and non-polar, with valine, which is neutral and non-polar, at codon 52 of the LPIN2 protein (p.Phe52Val). This variant is present in population databases (rs149316726, gnomAD 0.003%). This variant has not been reported in the literature in individuals affected with LPIN2-related conditions. Algorithms developed to predict the effect of missense changes on protein structure and function (SIFT, PolyPhen-2, Align-GVGD) all suggest that this variant is likely to be disruptive. In summary, the available evidence is currently insufficient to determine the role of this variant in disease. Therefore, it has been classified as a Variant of Uncertain Significance.